The following is an entry in ClinVar:

NM_015506.3(MMACHC):c.281_290del (p.Leu94fs)

Gene: MMACHC (metabolism of cobalamin associated C; plus strand). Cytogenetic location: 1p34.1.
Variant type: Deletion.
Coding change: c.281_290del on transcript NM_015506.3 (MANE Select); coding-DNA positions 281 to 290, 10 bases deleted (TCCCAGAGCT; older notation c.281_290delTCCCAGAGCT).
Protein change: p.Leu94fs; shifts the reading frame from leucine 94.
Molecular consequence: frameshift variant.
Genome position (GRCh38, 1-based): chr1:45,508,216-45,508,225, TCCCAGAGCT deleted. VCF-style (leftmost placement, unchanged base first): chr1-45508215-CTCCCAGAGCT-C. GRCh37 (hg19) VCF-style: chr1-45973887-CTCCCAGAGCT-C.
Other names: c.110_119del, p.Leu37fs (NM_001330540.2); c.281_290del (NM_015506.2); short protein forms L37fs, L94fs.
Identifiers: ClinVar variation 2865376 (VCV002865376.4), dbSNP rs2522824468, ClinGen allele CA2739272544.

ClinVar aggregate classification (germline): Pathogenic/Likely pathogenic. Review status: criteria provided, multiple submitters, no conflicts (2 of 4 stars). 2 submissions from 2 submitters: Pathogenic (1); Likely pathogenic (1). Last evaluated 2025-06-11.

Conditions:
Cobalamin C disease. Also called: methylmalonic aciduria and homocystinuria type cblC; Cobalamin-C methylmalonic acidemia and homocystinuria; Methylmalonic acidemia and homocystinuria cblC type; Methylmalonic aciduria with homocystinuria cblC type; Methylmalonic aciduria and homocystinuria, Vitamin B12-responsive; Vitamin B12 metabolic defect with combined deficiency of methylmalonyl-CoA mutase and homocysteine:methyltetrahydrofolate methyltransferase. Identifiers: Orphanet 26, Orphanet 79282, MedGen C1848561, MONDO:0010184, OMIM 277400.

Submissions (2):

Natera, Inc.
Classification: Likely pathogenic for Methylmalonic aciduria and homocystinuria cblC type. Last evaluated: 2025-06-11. Review status: criteria provided, single submitter. Criteria: Natera Variant Classification Schema (03/2026). Collection method: clinical testing. Allele origin: germline.
Comment: The c.281_290del variant in MMACHC is a frameshift variant predicted to shift the reading frame beginning at codon 94 and leads to a stop codon 3 codons downstream. This variant is expected to result in nonsense mediated decay, truncation, or a dysfunctional protein product. This variant is rare in the general population with a frequency below the threshold expected for the associated phenotype(s). Given the available evidence, this variant is classified as Likely Pathogenic.

Labcorp Genetics (formerly Invitae), Labcorp
Classification: Pathogenic for Cobalamin C disease. Last evaluated: 2023-05-18. Review status: criteria provided, single submitter. Criteria: Invitae Variant Classification Sherloc (09022015). Collection method: clinical testing. Allele origin: germline.
Comment: This sequence change creates a premature translational stop signal (p.Leu94Argfs*3) in the MMACHC gene. It is expected to result in an absent or disrupted protein product. Loss-of-function variants in MMACHC are known to be pathogenic (PMID: 16311595). This variant is not present in population databases (gnomAD no frequency). This variant has not been reported in the literature in individuals affected with MMACHC-related conditions. For these reasons, this variant has been classified as Pathogenic.

Literature cited by the submitters: PubMed 16311595 (cited by Labcorp Genetics (formerly Invitae), Labcorp).